The following is an entry in ClinVar:

ClinVar aggregate classification (germline): Uncertain significance (1 of 4 stars; one submission).

Conditions:
Epilepsy, early-onset, 3, with or without developmental delay (EPEO3). Identifiers: MedGen C5882674, MONDO:0958196, OMIM 620465.

Submission:

3billion
Classification: Uncertain significance for Epilepsy, early-onset, 3, with or without developmental delay. Last evaluated: 2025-12-01. Review status: criteria provided, single submitter. Criteria: ACMG Guidelines, 2015. Collection method: clinical testing. Allele origin: germline. Affected: yes.
Comment: The variant is not observed in the gnomAD v4.1.0 dataset. Predicted Consequence/Location: Missense variant In silico tool predictions suggest damaging effect of the variant on gene or gene product [REVEL: 0.73 (>=0.6, sensitivity 0.68 and specificity 0.92); 3Cnet: 0.97 (> 0.75, sensitivity 0.96 and precision 0.92)]. Therefore, this variant is classified as VUS according to the recommendation of ACMG/AMP guideline.

NM_001694.4(ATP6V0C):c.433G>A (p.Gly145Ser)

Gene: ATP6V0C (ATPase H+ transporting V0 subunit c; plus strand). Cytogenetic location: 16p13.3.
Variant type: single nucleotide variant.
Coding change: c.433G>A on transcript NM_001694.4 (MANE Select); coding-DNA position 433, G replaced by A.
Protein change: p.Gly145Ser; replaces glycine 145 with serine.
Molecular consequence: missense variant.
Genome position (GRCh38, 1-based): chr16:2,519,710, G>A. VCF-style: chr16-2519710-G-A. GRCh37 (hg19) VCF-style: chr16-2569711-G-A.
Other names: c.433G>A, p.Gly145Ser (NM_001198569.2); short protein forms G145S.
Identifiers: ClinVar variation 4856026 (VCV004856026.1).